The following is an entry in ClinVar:

NM_032383.5(HPS3):c.1842_1843del (p.Leu614_Tyr615insTer)

Gene: HPS3 (HPS3 biogenesis of lysosomal organelles complex 2 subunit 1; plus strand). Cytogenetic location: 3q24.
Variant type: Deletion.
Coding change: c.1842_1843del on transcript NM_032383.5 (MANE Select); coding-DNA positions 1842 to 1843, 2 bases deleted (TT; older notation c.1842_1843delTT).
Protein change: p.Leu614_Tyr615insTer.
Molecular consequence: frameshift variant.
Genome position (GRCh38, 1-based): chr3:149,158,816-149,158,817, TT deleted; deleting any 2 consecutive bases within chr3:149,158,815-149,158,817 gives the same sequence; the c. name uses the placement nearest the transcript's 3' end. VCF-style (leftmost placement, unchanged base first): chr3-149158814-CTT-C. GRCh37 (hg19) VCF-style: chr3-148876601-CTT-C.
Other names: c.1842_1843delTT (NM_032383.4); c.1347_1348del, p.Leu449_Tyr450insTer (NM_001308258.2); c.1842_1843del (NM_032383.3).
Identifiers: ClinVar variation 1072164 (VCV001072164.12), dbSNP rs1363245838, ClinGen allele CA546939077.

ClinVar aggregate classification (germline): Pathogenic/Likely pathogenic. Review status: criteria provided, multiple submitters, no conflicts (2 of 4 stars). 5 submissions from 5 submitters: Pathogenic (2); Likely pathogenic (3). Last evaluated 2025-09-19.

Conditions:
Hermansky-Pudlak syndrome (HPS). Also called: ALBINISM WITH HEMORRHAGIC DIATHESIS AND PIGMENTED RETICULOENDOTHELIAL CELLS. Identifiers: Orphanet 79430, MedGen C0079504, MONDO:0019312.
Hermansky-Pudlak syndrome 3 (HPS3). Identifiers: Orphanet 231512, Orphanet 79430, MedGen C3888001, MONDO:0013555, OMIM 614072.

Submissions (5):

Natera, Inc.
Classification: Likely pathogenic for Hermansky-Pudlak syndrome. Last evaluated: 2025-09-19. Review status: criteria provided, single submitter. Criteria: Natera Variant Classification Schema (03/2026). Collection method: clinical testing. Allele origin: germline.
Comment: The c.1842_1843delTT variant in HPS3 is a frameshift variant predicted to shift the reading frame and introduce a stop codon. This variant is expected to result in nonsense mediated decay, truncation, or a dysfunctional protein product. This variant is rare in the general population with a frequency below the threshold expected for the associated phenotype(s). Given the available evidence, this variant is classified as Likely Pathogenic.

Labcorp Genetics (formerly Invitae), Labcorp
Classification: Pathogenic. Last evaluated: 2025-04-23. Review status: criteria provided, single submitter. Criteria: Invitae Variant Classification Sherloc (09022015). Collection method: clinical testing. Allele origin: germline.
Comment: This sequence change creates a premature translational stop signal (p.Tyr615*) in the HPS3 gene. It is expected to result in an absent or disrupted protein product. Loss-of-function variants in HPS3 are known to be pathogenic (PMID: 11590544). This variant is present in population databases (no rsID available, gnomAD 0.02%). This variant has not been reported in the literature in individuals affected with HPS3-related conditions. ClinVar contains an entry for this variant (Variation ID: 1072164). Algorithms developed to predict the effect of sequence changes on RNA splicing suggest that this variant may disrupt the consensus splice site. For these reasons, this variant has been classified as Pathogenic.

GeneDx
Classification: Pathogenic. Last evaluated: 2025-01-29. Review status: criteria provided, single submitter. Criteria: GeneDx Variant Classification Process June 2021. Collection method: clinical testing. Allele origin: germline. Affected: yes.
Comment: Nonsense variant predicted to result in protein truncation or nonsense mediated decay in a gene for which loss of function is a known mechanism of disease; Has not been previously published as pathogenic or benign to our knowledge

Baylor Genetics
Classification: Likely pathogenic for Hermansky-Pudlak syndrome 3. Last evaluated: 2024-03-27. Review status: criteria provided, single submitter. Criteria: ACMG Guidelines, 2015. Collection method: clinical testing. Allele origin: unknown.

Fulgent Genetics
Classification: Likely pathogenic for Hermansky-Pudlak syndrome 3. Last evaluated: 2024-03-06. Review status: criteria provided, single submitter. Criteria: ACMG Guidelines, 2015. Collection method: clinical testing. Allele origin: germline.

Literature cited by the submitters: PubMed 11590544 (cited by Labcorp Genetics (formerly Invitae), Labcorp).